The following is an entry in ClinVar:

NM_024664.4(PPCS):c.319C>T (p.Pro107Ser)

Genes: CCDC30 (coiled-coil domain containing 30; plus strand), PPCS (phosphopantothenoylcysteine synthetase; plus strand), LOC129930344 (ATAC-STARR-seq lymphoblastoid active region 894; plus strand). Cytogenetic location: 1p34.2.
Variant type: single nucleotide variant.
Coding change: c.319C>T on transcript NM_024664.4 (MANE Select); coding-DNA position 319, C replaced by T.
Protein change: p.Pro107Ser; replaces proline 107 with serine.
Molecular consequence: missense variant. On other transcripts: intron variant (6), 5 prime UTR variant (1).
Genome position (GRCh38, 1-based): chr1:42,456,884, C>T. VCF-style: chr1-42456884-C-T. GRCh37 (hg19) VCF-style: chr1-42922555-C-T.
Other names: c.-327-363C>T (NM_001287507.1); c.-11-363C>T (NM_001287506.1); c.-12+160C>T (NM_001287508.2); c.-12+256C>T (NM_001077447.3); c.-12+301C>T (NM_001287509.2); c.-374C>T (NM_001287510.2); c.319C>T, p.Pro107Ser (NM_001287511.2); c.-983-363C>T (NM_001355226.2); short protein forms P107S.
Identifiers: ClinVar variation 1361004 (VCV001361004.46), dbSNP rs375775848, ClinGen allele CA799948.

ClinVar aggregate classification (germline): Uncertain significance. Review status: criteria provided, multiple submitters, no conflicts (2 of 4 stars). 2 submissions from 2 submitters: Uncertain significance (2). Last evaluated 2025-05-05.

Conditions:
Inborn genetic diseases. Identifiers: MedGen C0950123, MeSH D030342.

Allele frequency attached by ClinVar (database versions not stated): ESP Exome Variant Server 0.00017; gnomAD exomes 0.00002 and 0.00004; TOPMed 0.00002; ExAC 0.00009; gnomAD 0.00003.
gnomAD v4.1: 39 of 1,612,790 alleles (0.0024%); highest among the groups gnomAD compares: Non-Finnish European, 0.0031%; no homozygotes.

Submissions (2):

Ambry Genetics
Classification: Uncertain significance for Inborn genetic diseases. Last evaluated: 2025-05-05. Review status: criteria provided, single submitter. Criteria: Ambry Variant Classification Scheme 2023. Collection method: clinical testing. Allele origin: germline.

Labcorp Genetics (formerly Invitae), Labcorp
Classification: Uncertain significance. Last evaluated: 2024-01-18. Review status: criteria provided, single submitter. Criteria: Invitae Variant Classification Sherloc (09022015). Collection method: clinical testing. Allele origin: germline.
Comment: This sequence change replaces proline, which is neutral and non-polar, with serine, which is neutral and polar, at codon 107 of the PPCS protein (p.Pro107Ser). This variant is present in population databases (rs375775848, gnomAD 0.01%). This variant has not been reported in the literature in individuals affected with PPCS-related conditions. ClinVar contains an entry for this variant (Variation ID: 1361004). Advanced modeling of protein sequence and biophysical properties (such as structural, functional, and spatial information, amino acid conservation, physicochemical variation, residue mobility, and thermodynamic stability) performed at Invitae indicates that this missense variant is not expected to disrupt PPCS protein function with a negative predictive value of 80%. In summary, the available evidence is currently insufficient to determine the role of this variant in disease. Therefore, it has been classified as a Variant of Uncertain Significance.